The following is an entry in ClinVar:

NM_000030.3(AGXT):c.597_601del (p.Ile200fs)

Gene: AGXT (alanine--glyoxylate aminotransferase; plus strand). Cytogenetic location: 2q37.3.
Variant type: Deletion.
Coding change: c.597_601del on transcript NM_000030.3 (MANE Select); coding-DNA positions 597 to 601, 5 bases deleted (CATCG; older notation c.597_601delCATCG).
Protein change: p.Ile200fs; shifts the reading frame from isoleucine 200.
Molecular consequence: frameshift variant.
Genome position (GRCh38, 1-based): chr2:240,873,979-240,873,983, CATCG deleted; deleting any 5 consecutive bases within chr2:240,873,978-240,873,983 gives the same sequence; the c. name uses the placement nearest the transcript's 3' end. VCF-style (leftmost placement, unchanged base first): chr2-240873977-GGCATC-G. GRCh37 (hg19) VCF-style: chr2-241813394-GGCATC-G.
Other names: short protein forms I200fs.
Identifiers: ClinVar variation 2681177 (VCV002681177.1), dbSNP rs1468909944, ClinGen allele CA540536290.

ClinVar aggregate classification (germline): Likely pathogenic (1 of 4 stars; one submission).

Conditions:
Primary hyperoxaluria, type I (HP1). Also called: OXALOSIS I; Primary hyperoxaluria type 1; GLYCOLIC ACIDURIA; HEPATIC AGT DEFICIENCY. Identifiers: Orphanet 416, Orphanet 93598, MedGen C0268164, MONDO:0009823, OMIM 259900. Disease mechanism: loss of function.

Submission:

Clinical Biochemistry Laboratory, Health Services Laboratory
Classification: Likely pathogenic for Primary hyperoxaluria, type I. Last evaluated: 2023-10-27. Review status: criteria provided, single submitter. Criteria: ACMG Guidelines, 2015. Collection method: curation. Allele origin: germline.
Comment: ACMG:PVS1 PM2